The following is an entry in ClinVar:

ClinVar aggregate classification (germline): Uncertain significance (1 of 4 stars; one submission).

Allele frequency attached by ClinVar (database versions not stated): gnomAD exomes below 0.00001.
gnomAD v4.1: 2 of 1,614,166 alleles (0.00012%); highest among the groups gnomAD compares: Non-Finnish European, 0.000085%; no homozygotes.

Submission:

Labcorp Genetics (formerly Invitae), Labcorp
Classification: Uncertain significance. Last evaluated: 2022-04-19. Review status: criteria provided, single submitter. Criteria: Invitae Variant Classification Sherloc (09022015). Collection method: clinical testing. Allele origin: germline.
Comment: Algorithms developed to predict the effect of missense changes on protein structure and function are either unavailable or do not agree on the potential impact of this missense change (SIFT: "Deleterious"; PolyPhen-2: "Probably Damaging"; Align-GVGD: "Class C0"). In summary, the available evidence is currently insufficient to determine the role of this variant in disease. Therefore, it has been classified as a Variant of Uncertain Significance. This variant has not been reported in the literature in individuals affected with KMT2E-related conditions. This variant is not present in population databases (gnomAD no frequency). This sequence change replaces glycine, which is neutral and non-polar, with arginine, which is basic and polar, at codon 1075 of the KMT2E protein (p.Gly1075Arg).

NM_182931.3(KMT2E):c.3223G>A (p.Gly1075Arg)

Gene: KMT2E (lysine methyltransferase 2E (inactive); plus strand). Cytogenetic location: 7q22.3.
Variant type: single nucleotide variant.
Coding change: c.3223G>A on transcript NM_182931.3 (MANE Select); coding-DNA position 3223, G replaced by A.
Protein change: p.Gly1075Arg; replaces glycine 1075 with arginine.
Molecular consequence: missense variant.
Genome position (GRCh38, 1-based): chr7:105,107,680, G>A. VCF-style: chr7-105107680-G-A. GRCh37 (hg19) VCF-style: chr7-104748127-G-A.
Other names: c.3223G>A, p.Gly1075Arg (NM_001410908.1, NM_018682.4); short protein forms G1075R.
Identifiers: ClinVar variation 2124982 (VCV002124982.4), dbSNP rs2536510099, ClinGen allele CA368788883.